The following is an entry in ClinVar:

NM_000051.4(ATM):c.3249C>G (p.His1083Gln)

Gene: ATM (ATM serine/threonine kinase; plus strand). Cytogenetic location: 11q22.3.
Variant type: single nucleotide variant.
Coding change: c.3249C>G on transcript NM_000051.4 (MANE Select); coding-DNA position 3249, C replaced by G.
Protein change: p.His1083Gln; replaces histidine 1083 with glutamine.
Molecular consequence: missense variant.
Genome position (GRCh38, 1-based): chr11:108,272,817, C>G. VCF-style: chr11-108272817-C-G. GRCh37 (hg19) VCF-style: chr11-108143544-C-G.
Other names: c.3249C>G, p.His1083Gln (NM_001351834.2); short protein forms H1083Q.
Identifiers: ClinVar variation 573825 (VCV000573825.17), dbSNP rs1246816005, ClinGen allele CA382516054.

ClinVar aggregate classification (germline): Uncertain significance. Review status: criteria provided, multiple submitters, no conflicts (2 of 4 stars). 3 submissions from 3 submitters: Uncertain significance (3). Last evaluated 2024-05-22.

Conditions:
Hereditary cancer-predisposing syndrome. Also called: Hereditary neoplastic syndrome; Neoplastic Syndromes, Hereditary; Hereditary Cancer Syndrome; Tumor predisposition. Identifiers: Orphanet 140162, MedGen C0027672, MeSH D009386, MONDO:0015356.
Ataxia-telangiectasia syndrome (AT). Also called: AT, COMPLEMENTATION GROUP C; Cerebello-oculocutaneous telangiectasia; Immunodeficiency with ataxia telangiectasia; Ataxia-telangiectasia, complementation group D; ATAXIA-TELANGIECTASIA, FRESNO VARIANT; Ataxia-telangiectasia, complementation group E. Identifiers: Orphanet 100, MedGen C0004135, MONDO:0008840, OMIM 208900.

Allele frequency attached by ClinVar (database versions not stated): gnomAD exomes below 0.00001.
gnomAD v4.1: 3 of 1,614,034 alleles (0.00019%); highest among the groups gnomAD compares: Non-Finnish European, 0.00025%; no homozygotes.

Submissions (3):

Labcorp Genetics (formerly Invitae), Labcorp
Classification: Uncertain significance for Ataxia-telangiectasia syndrome. Last evaluated: 2024-05-22. Review status: criteria provided, single submitter. Criteria: Invitae Variant Classification Sherloc (09022015). Collection method: clinical testing. Allele origin: germline.
Comment: This sequence change replaces histidine, which is basic and polar, with glutamine, which is neutral and polar, at codon 1083 of the ATM protein (p.His1083Gln). This variant is present in population databases (no rsID available, gnomAD 0.0009%). This variant has not been reported in the literature in individuals affected with ATM-related conditions. ClinVar contains an entry for this variant (Variation ID: 573825). An algorithm developed to predict the effect of missense changes on protein structure and function (PolyPhen-2) suggests that this variant is likely to be tolerated. In summary, the available evidence is currently insufficient to determine the role of this variant in disease. Therefore, it has been classified as a Variant of Uncertain Significance.

Color Diagnostics, LLC DBA Color Health
Classification: Uncertain significance for Hereditary cancer-predisposing syndrome. Last evaluated: 2023-12-04. Review status: criteria provided, single submitter. Criteria: ACMG Guidelines, 2015. Collection method: clinical testing. Allele origin: germline.
Comment: This missense variant replaces histidine with glutamine at codon 1083 of the ATM protein. Computational prediction suggests that this variant may not impact protein structure and function (internally defined REVEL score threshold <= 0.5, PMID: 27666373). To our knowledge, functional studies have not been reported for this variant. This variant has not been reported in individuals affected with ATM-related disorders in the literature. This variant has been identified in 1/251228 chromosomes in the general population by the Genome Aggregation Database (gnomAD). The available evidence is insufficient to determine the role of this variant in disease conclusively. Therefore, this variant is classified as a Variant of Uncertain Significance.

Ambry Genetics
Classification: Uncertain significance for Hereditary cancer-predisposing syndrome. Last evaluated: 2019-11-06. Review status: criteria provided, single submitter. Criteria: Ambry Variant Classification Scheme 2023. Collection method: clinical testing. Allele origin: germline.
Comment: The p.H1083Q variant (also known as c.3249C>G), located in coding exon 21 of the ATM gene, results from a C to G substitution at nucleotide position 3249. The histidine at codon 1083 is replaced by glutamine, an amino acid with highly similar properties. This amino acid position is highly conserved in available vertebrate species. In addition, the in silico prediction for this alteration is inconclusive. Since supporting evidence is limited at this time, the clinical significance of this alteration remains unclear.